The following is an entry in ClinVar:

ClinVar aggregate classification (germline): Uncertain significance (1 of 4 stars; one submission).

Conditions:
Walker-Warburg congenital muscular dystrophy. Also called: Muscular dystrophy-dystroglycanopathy, type A; Walker-Warburg syndrome. Identifiers: Orphanet 899, MedGen C0265221, MONDO:0000171.

Submission:

Labcorp Genetics (formerly Invitae), Labcorp
Classification: Uncertain significance for Walker-Warburg congenital muscular dystrophy. Last evaluated: 2019-12-31. Review status: criteria provided, single submitter. Criteria: Invitae Variant Classification Sherloc (09022015). Collection method: clinical testing. Allele origin: germline.
Comment: This sequence change replaces glutamic acid with lysine at codon 334 of the FKRP protein (p.Glu334Lys). The glutamic acid residue is highly conserved and there is a small physicochemical difference between glutamic acid and lysine. This variant is not present in population databases (ExAC no frequency). This variant has not been reported in the literature in individuals with FKRP-related conditions. Algorithms developed to predict the effect of missense changes on protein structure and function are either unavailable or do not agree on the potential impact of this missense change (SIFT: "Deleterious"; PolyPhen-2: "Probably Damaging"; Align-GVGD: "Class C0"). In summary, the available evidence is currently insufficient to determine the role of this variant in disease. Therefore, it has been classified as a Variant of Uncertain Significance.

NM_024301.5(FKRP):c.1000G>A (p.Glu334Lys)

Gene: FKRP (fukutin related protein; plus strand). Cytogenetic location: 19q13.32.
Variant type: single nucleotide variant.
Coding change: c.1000G>A on transcript NM_024301.5 (MANE Select); coding-DNA position 1000, G replaced by A.
Protein change: p.Glu334Lys; replaces glutamic acid 334 with lysine.
Molecular consequence: missense variant.
Genome position (GRCh38, 1-based): chr19:46,756,450, G>A. VCF-style: chr19-46756450-G-A. GRCh37 (hg19) VCF-style: chr19-47259707-G-A.
Other names: c.1000G>A, p.Glu334Lys (NM_001039885.3); short protein forms E334K.
Identifiers: ClinVar variation 853322 (VCV000853322.10), dbSNP rs2054926451, ClinGen allele CA406496440.
Genomic context (GRCh38, chr19:46,756,450, plus strand): 5'-ACGCCCCCCTGCTGCCTGCGCGCGCTGCGCGAGACCGCCCGCTATGTGGTGGGCGTGCTG[G>A]AGGCTGCGGGCGTGCGCTACTGGCTCGAGGGCGGCTCACTGCTGGGGGCCGCCCGCCACG-3'
Protein context (NP_077277.1, residues 324-344): ETARYVVGVL[Glu334Lys]AAGVRYWLEG